The following is an entry in ClinVar:

NM_201384.3(PLEC):c.12267C>T (p.Gly4089=)

Gene: PLEC (plectin; minus strand). Cytogenetic location: 8q24.3.
Variant type: single nucleotide variant.
Coding change: c.12267C>T on transcript NM_201384.3 (MANE Select); coding-DNA position 12267, C replaced by T.
Protein change: p.Gly4089=; no amino-acid change (glycine 4089 retained).
Molecular consequence: synonymous variant.
Genome position (GRCh38, 1-based): chr8:143,917,554, G>A on the plus strand (C>T on the coding strand, the complement: PLEC is on the minus strand). VCF-style: chr8-143917554-G-A. GRCh37 (hg19) VCF-style: chr8-144991722-G-A.
Other names: c.12348C>T, p.Gly4116= (NM_000445.5); c.12225C>T, p.Gly4075= (NM_201378.4); c.12201C>T, p.Gly4067= (NM_201379.3); c.12678C>T, p.Gly4226= (NM_201380.4); c.12171C>T, p.Gly4057= (NM_201381.3); c.12267C>T, p.Gly4089= (NM_201382.4); c.12279C>T, p.Gly4093= (NM_201383.3).
Identifiers: ClinVar variation 471529 (VCV000471529.9), dbSNP rs554609148, ClinGen allele CA4924129.

ClinVar aggregate classification (germline): Likely benign. Review status: criteria provided, multiple submitters, no conflicts (2 of 4 stars). 4 submissions from 4 submitters: Likely benign (4). Last evaluated 2026-01-30.

Conditions:
PLEC-related disorder. Also called: PLEC-related disorders; PLEC-related condition.
Autosomal recessive limb-girdle muscular dystrophy type 2Q (LGMDR17). Also called: MUSCULAR DYSTROPHY, LIMB-GIRDLE, AUTOSOMAL RECESSIVE 17. Identifiers: Orphanet 254361, MedGen C3150989, MONDO:0013390, OMIM 613723.
Epidermolysis bullosa simplex with nail dystrophy (EBS5D). Identifiers: MedGen C4225309, MONDO:0014661, OMIM 616487.
Epidermolysis bullosa simplex 5C, with pyloric atresia (EBS5C). Also called: PLEC-Related Epidermolysis Bullosa with Pyloric Atresia; Epidermolysis bullosa simplex with pyloric atresia; PLEC1-Related Epidermolysis Bullosa with Pyloric Atresia. Identifiers: Orphanet 158684, MedGen C2677349, MONDO:0012807, OMIM 612138.
Epidermolysis bullosa simplex, Ogna type (EBS5A). Also called: Pidermolysis bullosa simplex 5A, Ogna type; EPIDERMOLYSIS BULLOSA SIMPLEX 5A, OGNA TYPE. Identifiers: Orphanet 79401, MedGen C0432317, MONDO:0007555, OMIM 131950.
Epidermolysis bullosa simplex 5B, with muscular dystrophy (EBS5B). Also called: EPIDERMOLYSIS BULLOSA SIMPLEX AND LIMB-GIRDLE MUSCULAR DYSTROPHY; Epidermolysis bullosa simplex with muscular dystrophy. Identifiers: Orphanet 257, MedGen C2931072, MONDO:0009181, OMIM 226670.

Allele frequency attached by ClinVar (database versions not stated): gnomAD below 0.00001 and 0.00007; TOPMed 0.00001; gnomAD exomes 0.00006 and 0.00013; ExAC 0.00015; 1000 Genomes Project 0.00020; 1000 Genomes Project 30x 0.00031.

Submissions (4):

PreventionGenetics, part of Exact Sciences
Classification: Likely benign for PLEC-related condition. Last evaluated: 2026-01-30. Review status: criteria provided, single submitter. Criteria: ACMG Guidelines, 2015. Collection method: clinical testing. Allele origin: germline.
Comment: This variant is classified as likely benign based on ACMG/AMP sequence variant interpretation guidelines (Richards et al. 2015 PMID: 25741868, with internal and published modifications).

Labcorp Genetics (formerly Invitae), Labcorp
Classification: Likely benign for Autosomal recessive limb-girdle muscular dystrophy type 2Q; Epidermolysis bullosa simplex, Ogna type; Epidermolysis bullosa simplex with nail dystrophy; Epidermolysis bullosa simplex 5C, with pyloric atresia; Epidermolysis bullosa simplex 5B, with muscular dystrophy. Last evaluated: 2025-12-16. Review status: criteria provided, single submitter. Criteria: Invitae Variant Classification Sherloc (09022015). Collection method: clinical testing. Allele origin: germline.

Blueprint Genetics
Classification: Likely benign. Last evaluated: 2024-03-18. Review status: criteria provided, single submitter. Criteria: ACMG Guidelines, 2015. Collection method: clinical testing. Allele origin: germline.

GeneDx
Classification: Likely benign. Last evaluated: 2017-05-10. Review status: criteria provided, single submitter. Criteria: GeneDx Variant Classification (06012015). Collection method: clinical testing. Allele origin: germline. Affected: yes.
Comment: This variant is considered likely benign or benign based on one or more of the following criteria: it is a conservative change, it occurs at a poorly conserved position in the protein, it is predicted to be benign by multiple in silico algorithms, and/or has population frequency not consistent with disease.